The following is an entry in ClinVar:

ClinVar aggregate classification (germline): Uncertain significance (1 of 4 stars; one submission).

Conditions:
Arrhythmogenic right ventricular dysplasia 5. Also called: ARRHYTHMOGENIC RIGHT VENTRICULAR DYSPLASIA, FAMILIAL, 5; Arrhythmogenic Right Ventricular Dysplasia/Cardiomyopathy 5. Identifiers: MedGen C1858379, MONDO:0011459, OMIM 604400.

Submission:

Labcorp Genetics (formerly Invitae), Labcorp
Classification: Uncertain significance for Arrhythmogenic right ventricular dysplasia 5. Last evaluated: 2016-12-27. Review status: criteria provided, single submitter. Criteria: Invitae Variant Classification Sherloc (09022015). Collection method: clinical testing. Allele origin: germline.
Comment: A gross duplication of the genomic region encompassing the full coding sequence of the TMEM43 gene has been identified. The boundaries of this event are unknown as the duplication extends beyond the assayed region for this gene and therefore may encompass additional genes. As the precise location of this duplication is unknown, it may be in tandem or it may be located elsewhere in the genome. This variant has not been reported in the literature in an individual with a TMEM-related disease. Experimental studies and prediction algorithms are not available for this variant, and the functional significance of an additional copy of TMEM43 is currently unknown. In summary, the exact genomic location of this variant is unknown and the impact of this duplication on TMEM43 protein function has not been established. Therefore, it has been classified as a Variant of Uncertain Significance.

NC_000003.11:g.(?_14166440)_(14185180_?)dup

Gene: TMEM43 (transmembrane protein 43; plus strand). Cytogenetic location: 3p25.1.
Variant type: Duplication.
Identifiers: ClinVar variation 417393 (VCV000417393.1).